The following is an entry in ClinVar:

ClinVar aggregate classification (germline): Likely benign. Review status: criteria provided, multiple submitters, no conflicts (2 of 4 stars). 2 submissions from 2 submitters: Likely benign (2). Last evaluated 2025-05-22.

Conditions:
Developmental and epileptic encephalopathy, 25 (DEE25). Also called: Developmental and epileptic encephalopathy 25, with amelogenesis imperfecta; Epileptic encephalopathy, early infantile, 25, with amelogenesis imperfecta; Epileptic encephalopathy, early infantile, 25. Identifiers: Orphanet 442835, MedGen C4014621, MONDO:0014392, OMIM 615905.

Allele frequency attached by ClinVar (database versions not stated): gnomAD exomes below 0.00001.
gnomAD v4.1: 2 of 1,612,566 alleles (0.00012%); highest among the groups gnomAD compares: Admixed American, 0.0017%; no homozygotes.

Submissions (2):

Labcorp Genetics (formerly Invitae), Labcorp
Classification: Likely benign for Developmental and epileptic encephalopathy, 25. Last evaluated: 2025-05-22. Review status: criteria provided, single submitter. Criteria: Invitae Variant Classification Sherloc (09022015). Collection method: clinical testing. Allele origin: germline.

GeneDx
Classification: Likely benign. Last evaluated: 2016-02-16. Review status: criteria provided, single submitter. Criteria: GeneDx Variant Classification (06012015). Collection method: clinical testing. Allele origin: germline. Affected: yes.
Comment: This variant is considered likely benign or benign based on one or more of the following criteria: it is a conservative change, it occurs at a poorly conserved position in the protein, it is predicted to be benign by multiple in silico algorithms, and/or has population frequency not consistent with disease.

NM_177550.5(SLC13A5):c.459G>A (p.Glu153=)

Gene: SLC13A5 (solute carrier family 13 member 5; minus strand). Cytogenetic location: 17p13.1.
Variant type: single nucleotide variant.
Coding change: c.459G>A on transcript NM_177550.5 (MANE Select); coding-DNA position 459, G replaced by A.
Protein change: p.Glu153=; no amino-acid change (glutamic acid 153 retained).
Molecular consequence: synonymous variant.
Genome position (GRCh38, 1-based): chr17:6,703,966, C>T on the plus strand (G>A on the coding strand, the complement: SLC13A5 is on the minus strand). VCF-style: chr17-6703966-C-T. GRCh37 (hg19) VCF-style: chr17-6607285-C-T.
Other names: c.459G>A, p.Glu153= (NM_001143838.3); c.408G>A, p.Glu136= (NM_001284509.2); c.330G>A, p.Glu110= (NM_001284510.2).
Identifiers: ClinVar variation 383600 (VCV000383600.6), dbSNP rs1057521689, ClinGen allele CA16607818.